The following is an entry in ClinVar:

NM_003126.4(SPTA1):c.6437A>G (p.Gln2146Arg)

Gene: SPTA1 (spectrin alpha, erythrocytic 1; minus strand). Cytogenetic location: 1q23.1.
Variant type: single nucleotide variant.
Coding change: c.6437A>G on transcript NM_003126.4 (MANE Select); coding-DNA position 6437, A replaced by G.
Protein change: p.Gln2146Arg; replaces glutamine 2146 with arginine.
Molecular consequence: missense variant.
Genome position (GRCh38, 1-based): chr1:158,619,315, T>C on the plus strand (A>G on the coding strand, the complement: SPTA1 is on the minus strand). VCF-style: chr1-158619315-T-C. GRCh37 (hg19) VCF-style: chr1-158589105-T-C.
Other names: short protein forms Q2146R.
Identifiers: ClinVar variation 258953 (VCV000258953.58), dbSNP rs138055271, ClinGen allele CA1181979.

ClinVar aggregate classification (germline): Conflicting classifications of pathogenicity. Review status: criteria provided, conflicting classifications (1 of 4 stars). 9 submissions from 7 submitters: Uncertain significance (2); Benign (4); Likely benign (3). Last evaluated 2026-09-01.

Conditions:
Hereditary spherocytosis type 3. Also called: SPTA1-Related Spherocytosis; Spherocytosis type 3. Identifiers: Orphanet 822, MedGen C2678338, MONDO:0010053, OMIM 270970.
Elliptocytosis 2 (EL2). Also called: ELLIPTOCYTOSIS, RHESUS-UNLINKED TYPE. Identifiers: Orphanet 288, MedGen C1851741, MONDO:0007533, OMIM 130600.
Pyropoikilocytosis, hereditary. Also called: Pyropoikilocytosis. Identifiers: MedGen C0520739, MONDO:0009948, OMIM 266140, HP:0004839. Disease mechanism: loss of function.

Allele frequency attached by ClinVar (database versions not stated): 1000 Genomes Project 30x 0.00515; 1000 Genomes Project 0.00519; gnomAD 0.00836 and 0.00862; gnomAD exomes 0.00841 and 0.01114; ExAC 0.00852; TOPMed 0.00853; ESP Exome Variant Server 0.00868.
gnomAD v4.1: 17,572 of 1,614,130 alleles (1.1%); highest among the groups gnomAD compares: Middle Eastern, 1.7%; 103 homozygotes.

Submissions (9):

CeGaT Center for Human Genetics Tuebingen
Classification: Benign. Last evaluated: 2026-09-01. Review status: criteria provided, single submitter. Criteria: CeGaT Center For Human Genetics Tuebingen Variant Classification Criteria Version 2. Collection method: clinical testing. Allele origin: germline. Affected: yes. Observed: 8 variant alleles.
Comment: SPTA1: BP4, BS1, BS2

Labcorp Genetics (formerly Invitae), Labcorp
Classification: Benign. Last evaluated: 2026-01-27. Review status: criteria provided, single submitter. Criteria: Invitae Variant Classification Sherloc (09022015). Collection method: clinical testing. Allele origin: germline.

ARUP Laboratories, Molecular Genetics and Genomics, ARUP Laboratories
Classification: Benign. Last evaluated: 2025-05-23. Review status: criteria provided, single submitter. Criteria: ARUP Molecular Germline Variant Investigation Process 2024. Collection method: clinical testing. Allele origin: germline.

Mayo Clinic Laboratories, Mayo Clinic
Classification: Likely benign. Last evaluated: 2025-02-18. Review status: criteria provided, single submitter. Criteria: ACMG Guidelines, 2015. Collection method: clinical testing. Allele origin: germline. Observed: 50 variant alleles.

Blueprint Genetics
Classification: Likely benign. Last evaluated: 2024-11-25. Review status: criteria provided, single submitter. Criteria: ACMG Guidelines, 2015. Collection method: clinical testing. Allele origin: germline.

Illumina Laboratory Services, Illumina
Classification: Likely benign for Elliptocytosis 2. Last evaluated: 2018-01-13. Review status: criteria provided, single submitter. Criteria: ICSL Variant Classification Criteria 13 December 2019. Collection method: clinical testing. Allele origin: germline.
Comment: This variant was observed in the ICSL laboratory as part of a predisposition screen in an ostensibly healthy population. It had not been previously curated by ICSL or reported in the Human Gene Mutation Database (HGMD: prior to June 1st, 2018), and was therefore a candidate for classification through an automated scoring system. Utilizing variant allele frequency, disease prevalence and penetrance estimates, and inheritance mode, an automated score was calculated to assess if this variant is too frequent to cause the disease. Based on the score and internal cut-off values, a variant classified as likely benign is not then subjected to further curation. The score for this variant resulted in a classification of likely benign for this disease.

Illumina Laboratory Services, Illumina
Classification: Uncertain significance for Hereditary spherocytosis type 3. Last evaluated: 2018-01-13. Review status: criteria provided, single submitter. Criteria: ICSL Variant Classification Criteria 13 December 2019. Collection method: clinical testing. Allele origin: germline.

Illumina Laboratory Services, Illumina
Classification: Uncertain significance for Pyropoikilocytosis, hereditary. Last evaluated: 2018-01-13. Review status: criteria provided, single submitter. Criteria: ICSL Variant Classification Criteria 13 December 2019. Collection method: clinical testing. Allele origin: germline.

PreventionGenetics, part of Exact Sciences
Classification: Benign. Last evaluated: 2016-04-11. Review status: criteria provided, single submitter. Criteria: ACMG Guidelines, 2015. Collection method: clinical testing. Allele origin: germline.